The following is an entry in ClinVar:

NM_000059.4(BRCA2):c.8502ATC[1] (p.Ser2836del)

Gene: BRCA2 (BRCA2 DNA repair associated; plus strand). Cytogenetic location: 13q13.1.
Variant type: Microsatellite.
Coding change: c.8502ATC[1] on transcript NM_000059.4 (MANE Select); one copy of the 3-base unit ATC starting at c.8502; the reference has two copies in a row; one copy, 3 bases deleted.
Protein change: p.Ser2836del; deletes serine 2836.
Molecular consequence: inframe deletion. On other transcripts: non-coding transcript variant (1).
Genome position (GRCh38, 1-based): chr13:32,370,973-32,370,975, ATC deleted; deleting any 3 consecutive bases within chr13:32,370,969-32,370,975 gives the same sequence; the position shown is the placement nearest the transcript's 3' end. VCF-style (leftmost placement, unchanged base first): chr13-32370968-ACAT-A. GRCh37 (hg19) VCF-style: chr13-32945105-ACAT-A.
Other names: c.8406ATC[1], p.Ser2804del (NM_001406719.1); c.8502ATC[1], p.Ser2836del (NM_001406720.1); c.3570ATC[1], p.Ser1192del (NM_001406721.1); c.2085ATC[1], p.Ser697del (NM_001406722.1); short protein forms S2804del, S697del, S2836del, S1192del.
Identifiers: ClinVar variation 2812750 (VCV002812750.3), dbSNP rs2548550636, ClinGen allele CA2739277519.

ClinVar aggregate classification (germline): Uncertain significance (1 of 4 stars; one submission).

Conditions:
Hereditary breast ovarian cancer syndrome. Also called: Hereditary breast and ovarian cancer; Hereditary breast and ovarian cancer syndrome; Breast and ovarian cancer; BRCA1- and BRCA2-Associated Hereditary Breast and Ovarian Cancer; Hereditary breast and ovarian cancer syndrome (HBOC); Hereditary breast and/or ovarian cancer syndrome. Identifiers: Orphanet 145, MedGen C0677776, MeSH D061325, MONDO:0003582. Disease mechanism: loss of function.

Submission:

Labcorp Genetics (formerly Invitae), Labcorp
Classification: Uncertain significance for Hereditary breast ovarian cancer syndrome. Last evaluated: 2022-11-08. Review status: criteria provided, single submitter. Criteria: Invitae Variant Classification Sherloc (09022015). Collection method: clinical testing. Allele origin: germline.
Comment: This variant, c.8505_8507del, results in the deletion of 1 amino acid(s) of the BRCA2 protein (p.Ser2836del), but otherwise preserves the integrity of the reading frame. This variant is not present in population databases (gnomAD no frequency). This variant has not been reported in the literature in individuals affected with BRCA2-related conditions. Experimental studies and prediction algorithms are not available or were not evaluated, and the functional significance of this variant is currently unknown. In summary, the available evidence is currently insufficient to determine the role of this variant in disease. Therefore, it has been classified as a Variant of Uncertain Significance.